The following is an entry in ClinVar:

ClinVar aggregate classification (germline): Likely benign (0 of 4 stars; one submission).

Conditions:
MYO1A-related disorder. Also called: MYO1A-related condition.

Allele frequency attached by ClinVar (database versions not stated): 1000 Genomes Project 0.00020; 1000 Genomes Project 30x 0.00031; ExAC 0.00049; gnomAD exomes 0.00050 and 0.00079; gnomAD 0.00054 and 0.00057; TOPMed 0.00056 and 0.00060.
gnomAD v4.1: 1,251 of 1,613,848 alleles (0.078%); highest among the groups gnomAD compares: Non-Finnish European, 0.095%; 3 homozygotes.

Submission:

PreventionGenetics, part of Exact Sciences
Classification: Likely benign for MYO1A-related condition. Last evaluated: 2019-12-04. Review status: no assertion criteria provided. Collection method: clinical testing. Allele origin: germline.
Comment: This variant is classified as likely benign based on ACMG/AMP sequence variant interpretation guidelines (Richards et al. 2015 PMID: 25741868, with internal and published modifications).

NM_005379.4(MYO1A):c.2055T>C (p.Thr685=)

Gene: MYO1A (myosin IA; minus strand). Cytogenetic location: 12q13.3.
Variant type: single nucleotide variant.
Coding change: c.2055T>C on transcript NM_005379.4 (MANE Select); coding-DNA position 2055, T replaced by C.
Protein change: p.Thr685=; no amino-acid change (threonine 685 retained).
Molecular consequence: synonymous variant.
Genome position (GRCh38, 1-based): chr12:57,037,548, A>G on the plus strand (T>C on the coding strand, the complement: MYO1A is on the minus strand). VCF-style: chr12-57037548-A-G. GRCh37 (hg19) VCF-style: chr12-57431332-A-G.
Other names: c.2055T>C, p.Thr685= (NM_001256041.2).
Identifiers: ClinVar variation 3048834 (VCV003048834.2), dbSNP rs149628462, ClinGen allele CA6639895.